The following is an entry in ClinVar:

NM_001928.4(CFD):c.695G>A (p.Arg232His)

Gene: CFD (complement factor D; plus strand). Cytogenetic location: 19p13.3.
Variant type: single nucleotide variant.
Coding change: c.695G>A on transcript NM_001928.4 (MANE Select); coding-DNA position 695, G replaced by A.
Protein change: p.Arg232His; replaces arginine 232 with histidine.
Molecular consequence: missense variant.
Genome position (GRCh38, 1-based): chr19:863,171, G>A. VCF-style: chr19-863171-G-A. GRCh37 (hg19) VCF-style: chr19-863171-G-A.
Other names: c.716G>A, p.Arg239His (NM_001317335.2); short protein forms R232H, R239H.
Identifiers: ClinVar variation 1928228 (VCV001928228.3), dbSNP rs764710522, ClinGen allele CA402923804.
Genomic context (GRCh38, chr19:863,171, plus strand): 5'-TGGTGTGCGGGGGCGTGCTCGAGGGCGTGGTCACCTCGGGCTCGCGCGTTTGCGGCAACC[G>A]CAAGAAGCCCGGGATCTACACCCGCGTGGCGAGCTATGCGGCCTGGATCGACAGCGTCCT-3'
Protein context (NP_001919.2, residues 222-242): VTSGSRVCGN[Arg232His]KKPGIYTRVA

ClinVar aggregate classification (germline): Uncertain significance (1 of 4 stars; one submission).

Allele frequency attached by ClinVar (database versions not stated): TOPMed 0.00002.
gnomAD v4.1: 17 of 1,479,862 alleles (0.0011%); highest among the groups gnomAD compares: African/African-American, 0.0066%; no homozygotes.

Submission:

Labcorp Genetics (formerly Invitae), Labcorp
Classification: Uncertain significance. Last evaluated: 2022-04-18. Review status: criteria provided, single submitter. Criteria: Invitae Variant Classification Sherloc (09022015). Collection method: clinical testing. Allele origin: germline.
Comment: Algorithms developed to predict the effect of missense changes on protein structure and function output the following: SIFT: "Not Available"; PolyPhen-2: "Benign"; Align-GVGD: "Not Available". The histidine amino acid residue is found in multiple mammalian species, which suggests that this missense change does not adversely affect protein function. This sequence change replaces arginine, which is basic and polar, with histidine, which is basic and polar, at codon 232 of the CFD protein (p.Arg232His). The frequency data for this variant in the population databases is considered unreliable, as metrics indicate poor data quality at this position in the gnomAD database. This variant has not been reported in the literature in individuals affected with CFD-related conditions. In summary, the available evidence is currently insufficient to determine the role of this variant in disease. Therefore, it has been classified as a Variant of Uncertain Significance.